The following is an entry in ClinVar:

ClinVar aggregate classification (germline): Uncertain significance (1 of 4 stars; one submission).

Conditions:
Landau-Kleffner syndrome (FESD). Also called: EPILEPSY, FOCAL, WITH SPEECH DISORDER AND WITH OR WITHOUT MENTAL RETARDATION; APHASIA, ACQUIRED, WITH EPILEPSY. Identifiers: Orphanet 1945, Orphanet 725, Orphanet 98818, MedGen C0282512, MONDO:0009509, OMIM 245570.

gnomAD v4.1: 1 of 1,613,948 alleles (0.000062%); highest among the groups gnomAD compares: Non-Finnish European, 0.000085%; no homozygotes.

Submission:

Labcorp Genetics (formerly Invitae), Labcorp
Classification: Uncertain significance for Landau-Kleffner syndrome. Last evaluated: 2023-08-17. Review status: criteria provided, single submitter. Criteria: Invitae Variant Classification Sherloc (09022015). Collection method: clinical testing. Allele origin: germline.
Comment: In summary, the available evidence is currently insufficient to determine the role of this variant in disease. Therefore, it has been classified as a Variant of Uncertain Significance. Advanced modeling of protein sequence and biophysical properties (such as structural, functional, and spatial information, amino acid conservation, physicochemical variation, residue mobility, and thermodynamic stability) performed at Invitae indicates that this missense variant is not expected to disrupt GRIN2A protein function. This variant has not been reported in the literature in individuals affected with GRIN2A-related conditions. This variant is present in population databases (rs775591257, gnomAD 0.0009%). This sequence change replaces glycine, which is neutral and non-polar, with alanine, which is neutral and non-polar, at codon 297 of the GRIN2A protein (p.Gly297Ala).

NM_001134407.3(GRIN2A):c.890G>C (p.Gly297Ala)

Gene: GRIN2A (glutamate ionotropic receptor NMDA type subunit 2A; minus strand). Cytogenetic location: 16p13.2.
Variant type: single nucleotide variant.
Coding change: c.890G>C on transcript NM_001134407.3 (MANE Select); coding-DNA position 890, G replaced by C.
Protein change: p.Gly297Ala; replaces glycine 297 with alanine.
Molecular consequence: missense variant.
Genome position (GRCh38, 1-based): chr16:9,938,076, C>G on the plus strand (G>C on the coding strand, the complement: GRIN2A is on the minus strand). VCF-style: chr16-9938076-C-G. GRCh37 (hg19) VCF-style: chr16-10031933-C-G.
Other names: c.890G>C, p.Gly297Ala (NM_000833.5, NM_001134408.2); short protein forms G297A.
Identifiers: ClinVar variation 2807719 (VCV002807719.3), dbSNP rs775591257, ClinGen allele CA7896883.